The following is an entry in ClinVar:

ClinVar aggregate classification (germline): Uncertain significance. Review status: criteria provided, multiple submitters, no conflicts (2 of 4 stars). 2 submissions from 2 submitters: Uncertain significance (2). Last evaluated 2025-12-22.

Conditions:
Inborn genetic diseases. Identifiers: MedGen C0950123, MeSH D030342.

Allele frequency attached by ClinVar (database versions not stated): ExAC 0.00002; gnomAD 0.00002; TOPMed 0.00002; gnomAD exomes 0.00003.
gnomAD v4.1: 39 of 1,609,576 alleles (0.0024%); highest among the groups gnomAD compares: Non-Finnish European, 0.0032%; no homozygotes.

Submissions (2):

Labcorp Genetics (formerly Invitae), Labcorp
Classification: Uncertain significance. Last evaluated: 2025-12-22. Review status: criteria provided, single submitter. Criteria: Invitae Variant Classification Sherloc (09022015). Collection method: clinical testing. Allele origin: germline.
Comment: This sequence change replaces arginine, which is basic and polar, with histidine, which is basic and polar, at codon 603 of the RIPK1 protein (p.Arg603His). This variant is present in population databases (rs765117664, gnomAD 0.006%). This variant has not been reported in the literature in individuals affected with RIPK1-related conditions. ClinVar contains an entry for this variant (Variation ID: 1513437). An algorithm developed to predict the effect of missense changes on protein structure and function (PolyPhen-2) suggests that this variant is likely to be disruptive. In summary, the available evidence is currently insufficient to determine the role of this variant in disease. Therefore, it has been classified as a Variant of Uncertain Significance.

Ambry Genetics
Classification: Uncertain significance for Inborn genetic diseases. Last evaluated: 2025-06-07. Review status: criteria provided, single submitter. Criteria: Ambry Variant Classification Scheme 2023. Collection method: clinical testing. Allele origin: germline.

NM_001354930.2(RIPK1):c.1808G>A (p.Arg603His)

Gene: RIPK1 (receptor interacting serine/threonine kinase 1; plus strand). Cytogenetic location: 6p25.2.
Variant type: single nucleotide variant.
Coding change: c.1808G>A on transcript NM_001354930.2 (MANE Select); coding-DNA position 1808, G replaced by A.
Protein change: p.Arg603His; replaces arginine 603 with histidine.
Molecular consequence: missense variant.
Genome position (GRCh38, 1-based): chr6:3,113,131, G>A. VCF-style: chr6-3113131-G-A. GRCh37 (hg19) VCF-style: chr6-3113365-G-A.
Other names: c.1319G>A, p.Arg440His (NM_001317061.3, NM_001354932.2, NM_001354933.2 and 1 more transcripts); c.1670G>A, p.Arg557His (NM_001354931.2); c.1808G>A, p.Arg603His (NM_003804.6); c.1808G>A (NM_003804.3); short protein forms R557H, R603H, R440H.
Identifiers: ClinVar variation 1513437 (VCV001513437.9), dbSNP rs765117664, ClinGen allele CA3618521.